The following is an entry in ClinVar:

NM_002633.3(PGM1):c.1355G>A (p.Arg452His)

Gene: PGM1 (phosphoglucomutase 1; plus strand). Cytogenetic location: 1p31.3.
Variant type: single nucleotide variant.
Coding change: c.1355G>A on transcript NM_002633.3 (MANE Select); coding-DNA position 1355, G replaced by A.
Protein change: p.Arg452His; replaces arginine 452 with histidine.
Molecular consequence: missense variant.
Genome position (GRCh38, 1-based): chr1:63,651,743, G>A. VCF-style: chr1-63651743-G-A. GRCh37 (hg19) VCF-style: chr1-64117414-G-A.
Other names: c.1409G>A, p.Arg470His (NM_001172818.1); c.764G>A, p.Arg255His (NM_001172819.2); c.1355G>A (NM_002633.2); short protein forms R452H, R255H, R470H.
Identifiers: ClinVar variation 1413217 (VCV001413217.4), dbSNP rs147763516, ClinGen allele CA889815.
Genomic context (GRCh38, chr1:63,651,743, plus strand): 5'-AGGTGGAAGCTGAGGGCGCAAACAAAATGATGAAGGACTTGGAGGCCCTGATGTTTGATC[G>A]CTCCTTTGTGGGGAAGCAGTTCTCAGCAAATGACAAAGTTTACACTGTGGAGAAGGCCGA-3'
Protein context (NP_002624.2, residues 442-462): MKDLEALMFD[Arg452His]SFVGKQFSAN

ClinVar aggregate classification (germline): Uncertain significance. Review status: criteria provided, multiple submitters, no conflicts (2 of 4 stars). 2 submissions from 2 submitters: Uncertain significance (2). Last evaluated 2022-10-17.

Conditions:
Inborn genetic diseases. Identifiers: MedGen C0950123, MeSH D030342.
PGM1-congenital disorder of glycosylation. Also called: GLYCOGEN STORAGE DISEASE XIV; GSD XIV; CDG It; Congenital disorder of glycosylation type 1t; PHOSPHOGLUCOMUTASE 1 DEFICIENCY; PGM1 DEFICIENCY. Identifiers: Orphanet 319646, MedGen C2752015, MONDO:0013968, OMIM 614921.

Allele frequency attached by ClinVar (database versions not stated): gnomAD 0.00004 and 0.00005.
gnomAD v4.1: 58 of 1,613,780 alleles (0.0036%); highest among the groups gnomAD compares: Admixed American, 0.02%; no homozygotes.

Submissions (2):

Labcorp Genetics (formerly Invitae), Labcorp
Classification: Uncertain significance for PGM1-congenital disorder of glycosylation. Last evaluated: 2022-10-17. Review status: criteria provided, single submitter. Criteria: Invitae Variant Classification Sherloc (09022015). Collection method: clinical testing. Allele origin: germline.
Comment: This sequence change replaces arginine, which is basic and polar, with histidine, which is basic and polar, at codon 452 of the PGM1 protein (p.Arg452His). This variant is present in population databases (rs147763516, gnomAD 0.03%). This variant has not been reported in the literature in individuals affected with PGM1-related conditions. ClinVar contains an entry for this variant (Variation ID: 1413217). Algorithms developed to predict the effect of missense changes on protein structure and function (SIFT, PolyPhen-2, Align-GVGD) all suggest that this variant is likely to be tolerated. In summary, the available evidence is currently insufficient to determine the role of this variant in disease. Therefore, it has been classified as a Variant of Uncertain Significance.

Ambry Genetics
Classification: Uncertain significance for Inborn genetic diseases. Last evaluated: 2021-12-21. Review status: criteria provided, single submitter. Criteria: Ambry Variant Classification Scheme 2023. Collection method: clinical testing. Allele origin: germline.
Comment: The c.1355G>A (p.R452H) alteration is located in exon 9 (coding exon 9) of the PGM1 gene. This alteration results from a G to A substitution at nucleotide position 1355, causing the arginine (R) at amino acid position 452 to be replaced by a histidine (H). This alteration is predicted to be tolerated by in silico analysis. Based on insufficient or conflicting evidence, the clinical significance of this alteration remains unclear.